The following is an entry in ClinVar:

ClinVar aggregate classification (germline): Uncertain significance (1 of 4 stars; one submission).

Conditions:
PCNT-related disorder. Also called: PCNT-related condition.

Submission:

PreventionGenetics, part of Exact Sciences
Classification: Uncertain significance for PCNT-related condition. Last evaluated: 2025-08-18. Review status: criteria provided, single submitter. Criteria: ACMG Guidelines, 2015. Collection method: clinical testing. Allele origin: germline.
Comment: The PCNT c.8805G>C variant is predicted to result in the amino acid substitution p.Gln2935His. To our knowledge, this variant has not been reported in the literature or in a large population database (gnomAD), indicating this variant is rare. At this time, the clinical significance of this variant is uncertain due to the absence of conclusive functional and genetic evidence.

NM_006031.6(PCNT):c.8805G>C (p.Gln2935His)

Gene: PCNT (pericentrin; plus strand). Cytogenetic location: 21q22.3.
Variant type: single nucleotide variant.
Coding change: c.8805G>C on transcript NM_006031.6 (MANE Select); coding-DNA position 8805, G replaced by C.
Protein change: p.Gln2935His; replaces glutamine 2935 with histidine.
Molecular consequence: missense variant.
Genome position (GRCh38, 1-based): chr21:46,435,957, G>C. VCF-style: chr21-46435957-G-C. GRCh37 (hg19) VCF-style: chr21-47855870-G-C.
Other names: c.8214G>C, p.Gln2738His (NM_001315529.2); short protein forms Q2935H, Q2738H.
Identifiers: ClinVar variation 4994423 (VCV004994423.1).
Genomic context (GRCh38, chr21:46,435,957, plus strand): 5'-ACAACAGCGAGAATTAGAACTGCAGCGTCAGCGTGACTTGCATAAGATCAAGCAGCTTCA[G>C]CAGACAGTGAGAGACCTGGAGTCGAAGGACGAGGTGCCTGGCAGCCGCCTCCACCTAGGT-3'
Protein context (NP_006022.3, residues 2925-2945): QRDLHKIKQL[Gln2935His]QTVRDLESKD